The following is an entry in ClinVar:

NM_001291303.3(FAT4):c.1966T>C (p.Ser656Pro)

Gene: FAT4 (FAT atypical cadherin 4; plus strand). Cytogenetic location: 4q28.1.
Variant type: single nucleotide variant.
Coding change: c.1966T>C on transcript NM_001291303.3 (MANE Select); coding-DNA position 1966, T replaced by C.
Protein change: p.Ser656Pro; replaces serine 656 with proline.
Molecular consequence: missense variant.
Genome position (GRCh38, 1-based): chr4:125,318,377, T>C. VCF-style: chr4-125318377-T-C. GRCh37 (hg19) VCF-style: chr4-126239532-T-C.
Other names: c.1966T>C, p.Ser656Pro (NM_001291285.3, NM_024582.6); c.1966T>C (NM_024582.4); short protein forms S656P.
Identifiers: ClinVar variation 1363666 (VCV001363666.9), dbSNP rs1730743959, ClinGen allele CA358119222.

ClinVar aggregate classification (germline): Uncertain significance. Review status: criteria provided, multiple submitters, no conflicts (2 of 4 stars). 2 submissions from 2 submitters: Uncertain significance (2). Last evaluated 2023-05-23.

Conditions:
Inborn genetic diseases. Identifiers: MedGen C0950123, MeSH D030342.

Allele frequency attached by ClinVar (database versions not stated): gnomAD exomes below 0.00001.
gnomAD v4.1: 3 of 1,614,170 alleles (0.00019%); highest among the groups gnomAD compares: African/African-American, 0.0027%; no homozygotes.

Submissions (2):

Labcorp Genetics (formerly Invitae), Labcorp
Classification: Uncertain significance. Last evaluated: 2023-05-23. Review status: criteria provided, single submitter. Criteria: Invitae Variant Classification Sherloc (09022015). Collection method: clinical testing. Allele origin: germline.
Comment: In summary, the available evidence is currently insufficient to determine the role of this variant in disease. Therefore, it has been classified as a Variant of Uncertain Significance. Advanced modeling of protein sequence and biophysical properties (such as structural, functional, and spatial information, amino acid conservation, physicochemical variation, residue mobility, and thermodynamic stability) performed at Invitae indicates that this missense variant is not expected to disrupt FAT4 protein function. ClinVar contains an entry for this variant (Variation ID: 1363666). This variant has not been reported in the literature in individuals affected with FAT4-related conditions. This variant is not present in population databases (gnomAD no frequency). This sequence change replaces serine, which is neutral and polar, with proline, which is neutral and non-polar, at codon 656 of the FAT4 protein (p.Ser656Pro).

Ambry Genetics
Classification: Uncertain significance for Inborn genetic diseases. Last evaluated: 2022-10-03. Review status: criteria provided, single submitter. Criteria: Ambry Variant Classification Scheme 2023. Collection method: clinical testing. Allele origin: germline.